The following is an entry in ClinVar:

ClinVar aggregate classification (germline): Uncertain significance. Review status: criteria provided, multiple submitters, no conflicts (2 of 4 stars). 2 submissions from 2 submitters: Uncertain significance (2). Last evaluated 2026-03-12.

Conditions:
Congenital insensitivity to pain-hypohidrosis syndrome. Also called: HSAN VIII; Neuropathy, hereditary sensory and autonomic, type VIII. Identifiers: Orphanet 478664, MedGen C4225308, MONDO:0014662, OMIM 616488.

Allele frequency attached by ClinVar (database versions not stated): gnomAD exomes 0.00003; ExAC 0.00005; gnomAD 0.00006; ESP Exome Variant Server 0.00008.
gnomAD v4.1: 30 of 1,612,286 alleles (0.0019%); highest among the groups gnomAD compares: African/African-American, 0.039%; no homozygotes.

Submissions (2):

GeneDx
Classification: Uncertain significance. Last evaluated: 2026-03-12. Review status: criteria provided, single submitter. Criteria: GeneDx Variant Classification Process June 2021. Collection method: clinical testing. Allele origin: germline.
Comment: In silico analysis suggests that this missense variant does not alter protein structure/function; Has not been previously published as pathogenic or benign to our knowledge

Labcorp Genetics (formerly Invitae), Labcorp
Classification: Uncertain significance for Congenital insensitivity to pain-hypohidrosis syndrome. Last evaluated: 2024-11-11. Review status: criteria provided, single submitter. Criteria: Invitae Variant Classification Sherloc (09022015). Collection method: clinical testing. Allele origin: germline.
Comment: This sequence change replaces glutamic acid, which is acidic and polar, with lysine, which is basic and polar, at codon 219 of the PRDM12 protein (p.Glu219Lys). This variant is present in population databases (rs139266687, gnomAD 0.04%). This variant has not been reported in the literature in individuals affected with PRDM12-related conditions. ClinVar contains an entry for this variant (Variation ID: 1523916). Invitae Evidence Modeling of protein sequence and biophysical properties (such as structural, functional, and spatial information, amino acid conservation, physicochemical variation, residue mobility, and thermodynamic stability) indicates that this missense variant is not expected to disrupt PRDM12 protein function with a negative predictive value of 80%. In summary, the available evidence is currently insufficient to determine the role of this variant in disease. Therefore, it has been classified as a Variant of Uncertain Significance.

NM_021619.3(PRDM12):c.655G>A (p.Glu219Lys)

Gene: PRDM12 (PR/SET domain 12; plus strand). Cytogenetic location: 9q34.12.
Variant type: single nucleotide variant.
Coding change: c.655G>A on transcript NM_021619.3 (MANE Select); coding-DNA position 655, G replaced by A.
Protein change: p.Glu219Lys; replaces glutamic acid 219 with lysine.
Molecular consequence: missense variant.
Genome position (GRCh38, 1-based): chr9:130,678,613, G>A. VCF-style: chr9-130678613-G-A. GRCh37 (hg19) VCF-style: chr9-133554000-G-A.
Other names: c.655G>A (NM_021619.2); short protein forms E219K.
Identifiers: ClinVar variation 1523916 (VCV001523916.6), dbSNP rs139266687, ClinGen allele CA5284618.